The following is an entry in ClinVar:

NM_001190787.3(MCIDAS):c.139T>C (p.Phe47Leu)

Gene: MCIDAS (multiciliate differentiation and DNA synthesis associated cell cycle protein; minus strand). Cytogenetic location: 5q11.2.
Variant type: single nucleotide variant.
Coding change: c.139T>C on transcript NM_001190787.3 (MANE Select); coding-DNA position 139, T replaced by C.
Protein change: p.Phe47Leu; replaces phenylalanine 47 with leucine.
Molecular consequence: missense variant.
Genome position (GRCh38, 1-based): chr5:55,226,913, A>G on the plus strand (T>C on the coding strand, the complement: MCIDAS is on the minus strand). VCF-style: chr5-55226913-A-G. GRCh37 (hg19) VCF-style: chr5-54522741-A-G.
Other names: short protein forms F47L.
Identifiers: ClinVar variation 1404262 (VCV001404262.15), dbSNP rs2111703044, ClinGen allele CA359734379.

ClinVar aggregate classification (germline): Uncertain significance (1 of 4 stars; one submission).

Conditions:
Primary ciliary dyskinesia. Also called: Ciliary dyskinesia. Identifiers: Orphanet 244, MedGen C0008780, MONDO:0016575, HP:0012265.

Allele frequency attached by ClinVar (database versions not stated): gnomAD exomes below 0.00001.

Submission:

Labcorp Genetics (formerly Invitae), Labcorp
Classification: Uncertain significance for Primary ciliary dyskinesia. Last evaluated: 2022-08-22. Review status: criteria provided, single submitter. Criteria: Invitae Variant Classification Sherloc (09022015). Collection method: clinical testing. Allele origin: germline.
Comment: In summary, the available evidence is currently insufficient to determine the role of this variant in disease. Therefore, it has been classified as a Variant of Uncertain Significance. Algorithms developed to predict the effect of missense changes on protein structure and function output the following: SIFT: "Tolerated"; PolyPhen-2: "Benign"; Align-GVGD: "Class C0". The leucine amino acid residue is found in multiple mammalian species, which suggests that this missense change does not adversely affect protein function. ClinVar contains an entry for this variant (Variation ID: 1404262). This variant has not been reported in the literature in individuals affected with MCIDAS-related conditions. This variant is not present in population databases (gnomAD no frequency). This sequence change replaces phenylalanine, which is neutral and non-polar, with leucine, which is neutral and non-polar, at codon 47 of the MCIDAS protein (p.Phe47Leu).